The following is an entry in ClinVar:

ClinVar aggregate classification (germline): Uncertain significance (1 of 4 stars; one submission).

Conditions:
Cardiomyopathy (CMYO). Also called: Cardiomyopathies. Identifiers: Orphanet 167848, MedGen C0878544, MONDO:0004994, HP:0001638. Inheritance: Various modes of inheritance.

Allele frequency attached by ClinVar (database versions not stated): gnomAD exomes below 0.00001.
gnomAD v4.1: 1 of 1,609,074 alleles (0.000062%); highest among the groups gnomAD compares: Non-Finnish European, 0.000085%; no homozygotes.

Submission:

Color Diagnostics, LLC DBA Color Health
Classification: Uncertain significance for Cardiomyopathy. Last evaluated: 2024-03-06. Review status: criteria provided, single submitter. Criteria: ACMG Guidelines, 2015. Collection method: clinical testing. Allele origin: germline.
Comment: This missense variant replaces leucine with tryptophan at codon 505 of the RYR2 protein. Computational prediction tool suggests that this variant may have deleterious impact on protein structure and function (internally defined REVEL score threshold >=0.7, PMID: 27666373). Splice site prediction tools suggest that this variant may not impact RNA splicing. To our knowledge, functional studies have not been performed for this variant. This variant has not been reported in individuals affected with cardiovascular disorders in the literature. This variant has not been identified in the general population by the Genome Aggregation Database (gnomAD). The available evidence is insufficient to determine the role of this variant in disease conclusively. Therefore, this variant is classified as a Variant of Uncertain Significance.

NM_001035.3(RYR2):c.1514T>G (p.Leu505Trp)

Gene: RYR2 (ryanodine receptor 2; plus strand). Cytogenetic location: 1q43.
Variant type: single nucleotide variant.
Coding change: c.1514T>G on transcript NM_001035.3 (MANE Select); coding-DNA position 1514, T replaced by G.
Protein change: p.Leu505Trp; replaces leucine 505 with tryptophan.
Molecular consequence: missense variant.
Genome position (GRCh38, 1-based): chr1:237,456,637, T>G. VCF-style: chr1-237456637-T-G. GRCh37 (hg19) VCF-style: chr1-237619937-T-G.
Other names: short protein forms L505W.
Identifiers: ClinVar variation 926632 (VCV000926632.4), dbSNP rs1658857026, ClinGen allele CA345381406.
Genomic context (GRCh38, chr1:237,456,637, plus strand): 5'-TTTTTTTTTTTTTAACGTTCCAGGGAATGATCAACCTCGTGCTTGAGTGCATAGACCGTT[T>G]GCACGTCTACAGCAGTGCAGCACACTTTGCTGATGTTGCTGGGCGAGAAGCAGGAGAGTC-3'
Protein context (NP_001026.2, residues 495-515): INLVLECIDR[Leu505Trp]HVYSSAAHFA